The following is an entry in ClinVar:

NC_000005.10:g.(?_90965415)_(91383092_?)del

Genes: ADGRV1 (adhesion G protein-coupled receptor V1; plus strand), ARRDC3 (arrestin domain containing 3; minus strand), LUCAT1 (lung cancer associated transcript 1; minus strand). Cytogenetic location: 5q14.3.
Variant type: Deletion.
Identifiers: ClinVar variation 830751 (VCV000830751.7).

ClinVar aggregate classification (germline): Likely pathogenic (1 of 4 stars; one submission).

Submission:

Labcorp Genetics (formerly Invitae), Labcorp
Classification: Likely pathogenic. Last evaluated: 2019-12-16. Review status: criteria provided, single submitter. Criteria: Invitae Variant Classification Sherloc (09022015). Collection method: clinical testing. Allele origin: germline.
Comment: In summary, the currently available evidence indicates that the variant is pathogenic, but additional data are needed to prove that conclusively. Therefore, this variant has been classified as Likely Pathogenic. This variant disrupts the p.His5978 amino acid residue in ADGRV1. Other variant(s) that disrupt this residue have been determined to be pathogenic (PMID: 22147658, 30459346). This suggests that this residue is clinically significant, and that variants that disrupt this residue are likely to be disease-causing. This variant has not been reported in the literature in individuals with ADGRV1-related conditions. This variant is a gross deletion of the genomic region encompassing exons 84-90 of the ADGRV1 gene. The 5' boundary is likely confined to intron 83. The 3' end of this event is unknown as it extends through the termination codon beyond the assayed region for this gene and may encompass additional genes. While this deletion is not anticipated to result in nonsense mediated decay, it is expected to create a truncated protein product or disrupt mRNA translation.

Literature cited by the submitters: PubMed 22147658; PubMed 30459346.